The following is an entry in ClinVar:

NM_001283009.2(RTEL1):c.2379C>A (p.Asp793Glu)

Genes: RTEL1 (regulator of telomere elongation helicase 1; plus strand), RTEL1-TNFRSF6B (RTEL1-TNFRSF6B readthrough (NMD candidate); plus strand). Cytogenetic location: 20q13.33.
Variant type: single nucleotide variant.
Coding change: c.2379C>A on transcript NM_001283009.2 (MANE Select); coding-DNA position 2379, C replaced by A.
Protein change: p.Asp793Glu; replaces aspartic acid 793 with glutamic acid.
Molecular consequence: missense variant. On other transcripts: non-coding transcript variant (1).
Genome position (GRCh38, 1-based): chr20:63,690,407, C>A. VCF-style: chr20-63690407-C-A. GRCh37 (hg19) VCF-style: chr20-62321760-C-A.
Other names: c.1710C>A, p.Asp570Glu (NM_001283010.1); c.2379C>A, p.Asp793Glu (NM_016434.4); c.2451C>A, p.Asp817Glu (NM_032957.5); short protein forms D570E, D793E, D817E.
Identifiers: ClinVar variation 3759479 (VCV003759479.2).

ClinVar aggregate classification (germline): Uncertain significance (1 of 4 stars; one submission).

Conditions:
Dyskeratosis congenita, autosomal recessive 5 (DKCB5). Identifiers: MedGen C3554656, MONDO:0014076, OMIM 615190.
Pulmonary fibrosis and/or bone marrow failure, Telomere-related, 3. Also called: PULMONARY FIBROSIS AND/OR BONE MARROW FAILURE SYNDROME, TELOMERE-RELATED, 3. Identifiers: Orphanet 2032, MedGen C4225346, MONDO:0014613, OMIM 616373.

Submission:

Labcorp Genetics (formerly Invitae), Labcorp
Classification: Uncertain significance for Dyskeratosis congenita, autosomal recessive 5; Pulmonary fibrosis and/or bone marrow failure, Telomere-related, 3. Last evaluated: 2024-10-16. Review status: criteria provided, single submitter. Criteria: Invitae Variant Classification Sherloc (09022015). Collection method: clinical testing. Allele origin: germline.
Comment: This sequence change replaces aspartic acid, which is acidic and polar, with glutamic acid, which is acidic and polar, at codon 793 of the RTEL1 protein (p.Asp793Glu). This variant is not present in population databases (gnomAD no frequency). This variant has not been reported in the literature in individuals affected with RTEL1-related conditions. An algorithm developed to predict the effect of missense changes on protein structure and function (PolyPhen-2) suggests that this variant is likely to be disruptive. In summary, the available evidence is currently insufficient to determine the role of this variant in disease. Therefore, it has been classified as a Variant of Uncertain Significance.